The following is an entry in ClinVar:

NM_016247.4(IMPG2):c.688G>A (p.Val230Met)

Gene: IMPG2 (interphotoreceptor matrix proteoglycan 2; minus strand). Cytogenetic location: 3q12.3.
Variant type: single nucleotide variant.
Coding change: c.688G>A on transcript NM_016247.4 (MANE Select); coding-DNA position 688, G replaced by A.
Protein change: p.Val230Met; replaces valine 230 with methionine.
Molecular consequence: missense variant.
Genome position (GRCh38, 1-based): chr3:101,273,721, C>T on the plus strand (G>A on the coding strand, the complement: IMPG2 is on the minus strand). VCF-style: chr3-101273721-C-T. GRCh37 (hg19) VCF-style: chr3-100992565-C-T.
Other names: short protein forms V230M.
Identifiers: ClinVar variation 1395593 (VCV001395593.6), dbSNP rs1706812321, ClinGen allele CA353868136.

ClinVar aggregate classification (germline): Uncertain significance (1 of 4 stars; one submission).

Allele frequency attached by ClinVar (database versions not stated): gnomAD exomes below 0.00001.
gnomAD v4.1: 1 of 1,614,118 alleles (0.000062%); highest among the groups gnomAD compares: Non-Finnish European, 0.000085%; no homozygotes.

Submission:

Labcorp Genetics (formerly Invitae), Labcorp
Classification: Uncertain significance. Last evaluated: 2021-11-28. Review status: criteria provided, single submitter. Criteria: Invitae Variant Classification Sherloc (09022015). Collection method: clinical testing. Allele origin: germline.
Comment: This variant has not been reported in the literature in individuals affected with IMPG2-related conditions. This variant is not present in population databases (gnomAD no frequency). This sequence change replaces valine, which is neutral and non-polar, with methionine, which is neutral and non-polar, at codon 230 of the IMPG2 protein (p.Val230Met). Algorithms developed to predict the effect of missense changes on protein structure and function output the following: SIFT: "Tolerated"; PolyPhen-2: "Benign"; Align-GVGD: "Class C0". The methionine amino acid residue is found in multiple mammalian species, which suggests that this missense change does not adversely affect protein function. In summary, the available evidence is currently insufficient to determine the role of this variant in disease. Therefore, it has been classified as a Variant of Uncertain Significance.